The following is an entry in ClinVar:

NM_001360.3(DHCR7):c.963+2T>C

Gene: DHCR7 (7-dehydrocholesterol reductase; minus strand). Cytogenetic location: 11q13.4.
Variant type: single nucleotide variant.
Coding change: c.963+2T>C on transcript NM_001360.3 (MANE Select); the canonical splice donor site of the intron after coding-DNA position 963, T replaced by C.
Molecular consequence: splice donor variant. On other transcripts: missense variant (1), intron variant (1).
Genome position (GRCh38, 1-based): chr11:71,437,810, A>G on the plus strand (T>C on the coding strand, the complement: DHCR7 is on the minus strand). VCF-style: chr11-71437810-A-G. GRCh37 (hg19) VCF-style: chr11-71148856-A-G.
Other names: c.965T>C, p.Val322Ala (NM_001425119.1); c.963+2T>C (NM_001425120.1, NM_001425109.1, NM_001163817.2 and 4 more transcripts); c.867+2T>C (NM_001425114.1, NM_001425116.1); c.903+2T>C (NM_001425113.1); c.869+96T>C (NM_001425121.1); c.1014+2T>C (NM_001425107.1); c.999+2T>C (NM_001425108.1); c.789+2T>C (NM_001425117.1); short protein forms V322A.
Identifiers: ClinVar variation 4814845 (VCV004814845.1).

ClinVar aggregate classification (germline): Likely pathogenic (1 of 4 stars; one submission).

Conditions:
Smith-Lemli-Opitz syndrome (SLOS). Also called: LETHAL ACRODYSGENITAL SYNDROME; POLYDACTYLY, SEX REVERSAL, RENAL HYPOPLASIA, AND UNILOBAR LUNG; RSH SYNDROME; RUTLEDGE LETHAL MULTIPLE CONGENITAL ANOMALY SYNDROME; 7-Dehydrocholesterol reductase deficiency. Identifiers: Orphanet 818, MedGen C0175694, MONDO:0010035, OMIM 270400.

Submission:

Natera, Inc.
Classification: Likely pathogenic for Smith-Lemli-Opitz syndrome. Last evaluated: 2024-09-26. Review status: criteria provided, single submitter. Criteria: Natera Variant Classification Schema (03/2026). Collection method: clinical testing. Allele origin: germline.
Comment: The c.963+2T>C variant in DHCR7 is a canonical splice donor site variant predicted to affect pre-mRNA splicing, which may result in an abnormal transcript and altered protein product. This variant is expected to result in nonsense mediated decay, truncation, or a dysfunctional protein product. This variant is rare in the general population with a frequency below the threshold expected for the associated phenotype(s). Given the available evidence, this variant is classified as Likely Pathogenic.